The following is an entry in ClinVar:

ClinVar aggregate classification (germline): Likely benign (1 of 4 stars; one submission).

Conditions:
Loeys-Dietz syndrome 2 (LDS2). Also called: TGFBR2-Related Loeys-Dietz Syndrome; AORTIC ANEURYSM, FAMILIAL THORACIC 3; MARFAN SYNDROME, TYPE II; Marfan syndrome, type 2 (formerly); Marfan Syndrome type 2; Marfan like connective tissue disorder. Identifiers: Orphanet 284973, Orphanet 558, MedGen C2674574, MONDO:0012427, OMIM 610168.

gnomAD v4.1: 2 of 1,613,436 alleles (0.00012%); highest among the groups gnomAD compares: Non-Finnish European, 0.00017%; no homozygotes.

Submission:

All of Us Research Program, National Institutes of Health
Classification: Likely benign for Loeys-Dietz syndrome 2. Last evaluated: 2024-04-16. Review status: criteria provided, single submitter. Criteria: ACMG Guidelines, 2015. Collection method: clinical testing. Allele origin: germline. Inheritance: Autosomal dominant inheritance. Observed: 1 variant allele, 1 heterozygote.
Comment: This study involves interpretation of variants in research participants for the purpose of population health screening. Participant phenotype was not available at the time of variant classification. Additional details can be found in publication PMID: 35346344, PMCID: PMC8962531

NM_003242.6(TGFBR2):c.95-13T>C

Gene: TGFBR2 (transforming growth factor beta receptor 2; plus strand). Cytogenetic location: 3p24.1.
Variant type: single nucleotide variant.
Coding change: c.95-13T>C on transcript NM_003242.6 (MANE Select); 13 bases into the intron before coding-DNA position 95, T replaced by C.
Molecular consequence: intron variant.
Genome position (GRCh38, 1-based): chr3:30,644,734, T>C. VCF-style: chr3-30644734-T-C. GRCh37 (hg19) VCF-style: chr3-30686226-T-C.
Other names: c.-11-13T>C (NM_001407134.1, NM_001407129.1, NM_001407132.1 and 3 more transcripts); c.95-13T>C (NM_001407127.1, NM_001407130.1); c.95-26904T>C (NM_001407138.1); c.122-13T>C (NM_001407128.1); c.170-13T>C (NM_001407126.1, NM_001024847.3, NM_001407139.1); c.169+21461T>C (NM_001407137.1).
Identifiers: ClinVar variation 3386055 (VCV003386055.1).